The following is an entry in ClinVar:

NM_000301.5(PLG):c.1386A>G (p.Val462=)

Gene: PLG (plasminogen; plus strand). Cytogenetic location: 6q26.
Variant type: single nucleotide variant.
Coding change: c.1386A>G on transcript NM_000301.5 (MANE Select); coding-DNA position 1386, A replaced by G.
Protein change: p.Val462=; no amino-acid change (valine 462 retained).
Molecular consequence: synonymous variant.
Genome position (GRCh38, 1-based): chr6:160,731,180, A>G. VCF-style: chr6-160731180-A-G. GRCh37 (hg19) VCF-style: chr6-161152212-A-G.
Other names: p.Val462=.
Identifiers: ClinVar variation 4683235 (VCV004683235.1).

ClinVar aggregate classification (germline): Likely benign (1 of 4 stars; one submission).

gnomAD v4.1: 2 of 1,614,156 alleles (0.00012%); highest among the groups gnomAD compares: Non-Finnish European, 0.00017%; no homozygotes.

Submission:

Mayo Clinic Laboratories, Mayo Clinic
Classification: Likely benign. Last evaluated: 2025-01-07. Review status: criteria provided, single submitter. Criteria: ACMG Guidelines, 2015. Collection method: clinical testing. Allele origin: germline. Observed: 1 variant allele.
Comment: BP4, BP7, PM2_supporting